The following is an entry in ClinVar:

NM_001009944.3(PKD1):c.7546C>T (p.Arg2516Cys)

Gene: PKD1 (polycystin 1, transient receptor potential channel interacting; minus strand). Cytogenetic location: 16p13.3.
Variant type: single nucleotide variant.
Coding change: c.7546C>T on transcript NM_001009944.3 (MANE Select); coding-DNA position 7546, C replaced by T.
Protein change: p.Arg2516Cys; replaces arginine 2516 with cysteine.
Molecular consequence: missense variant.
Genome position (GRCh38, 1-based): chr16:2,106,248, G>A on the plus strand (C>T on the coding strand, the complement: PKD1 is on the minus strand). VCF-style: chr16-2106248-G-A. GRCh37 (hg19) VCF-style: chr16-2156249-G-A.
Other names: c.7546C>T, p.Arg2516Cys (NM_000296.4); short protein forms R2516C.
Identifiers: ClinVar variation 208710 (VCV000208710.49), dbSNP rs797044902, ClinGen allele CA204735.

ClinVar aggregate classification (germline): Pathogenic/Likely pathogenic. Review status: criteria provided, multiple submitters, no conflicts (2 of 4 stars). 15 submissions from 15 submitters: Pathogenic (6); Likely pathogenic (5). 4 of the submissions do not count toward it. Last evaluated 2025-10-23.

Conditions:
PKD1-related disorder. Also called: PKD1-related condition.
Inborn genetic diseases. Identifiers: MedGen C0950123, MeSH D030342.
Polycystic kidney disease, adult type (PKD1). Also called: POLYCYSTIC KIDNEY DISEASE, ADULT, TYPE I; Polycystic Kidney, Autosomal Dominant; POLYCYSTIC KIDNEY DISEASE 1 WITH OR WITHOUT POLYCYSTIC LIVER DISEASE; Polycystic Kidney Disease 1, Autosomal Dominant; Polycystic kidney disease 1; Polycystic kidney disease 1, severe. Identifiers: MedGen C3149841, MONDO:0008263, OMIM 173900.

Allele frequency attached by ClinVar (database versions not stated): gnomAD exomes below 0.00001; TOPMed below 0.00001.
gnomAD v4.1: 4 of 1,610,270 alleles (0.00025%); highest among the groups gnomAD compares: Non-Finnish European, 0.00025%; no homozygotes.

Submissions (15):

PreventionGenetics, part of Exact Sciences
Classification: Pathogenic for PKD1-related condition. Last evaluated: 2025-10-23. Review status: criteria provided, single submitter. Criteria: ACMG Guidelines, 2015. Collection method: clinical testing. Allele origin: germline.
Comment: The PKD1 c.7546C>T variant is predicted to result in the amino acid substitution p.Arg2516Cys. This variant has been repeatedly reported to be pathogenic for autosomal dominant polycystic kidney disease (ADPKD) (see for example, Table IB, Rossetti et al. 2007. PubMed ID: 17582161; Suppl. Table 1, Cornec-Le Gall et al. 2013. PubMed ID: 23431072; Table S1, Kimura et al. 2023. PubMed ID: 37509056). This variant has not been reported in a large population database (gnomAD), indicating this variant is rare. This variant is interpreted as pathogenic.

Women's Health and Genetics/Laboratory Corporation of America, LabCorp
Classification: Pathogenic for Polycystic kidney disease, adult type. Last evaluated: 2025-05-19. Review status: criteria provided, single submitter. Criteria: LabCorp Variant Classification Summary - May 2015. Collection method: clinical testing. Allele origin: germline.
Comment: Variant summary: PKD1 c.7546C>T (p.Arg2516Cys) results in a non-conservative amino acid change in the encoded protein sequence. Algorithms developed to predict the effect of missense changes on protein structure and function all suggest that this variant is likely to be disruptive. The variant was absent in 244256 control chromosomes. c.7546C>T has been observed in multiple individuals affected with Polycystic Kidney Disease 1 (example, Garcia-Gonzalez_2007, Groopman_2019, Kim_2019, Liu_2015, Sekine_2019), it was also reported in an individual with epilepsy (Helbig_2016). These data indicate that the variant is very likely to be associated with disease. To our knowledge, no experimental evidence demonstrating an impact on protein function has been reported. The following publications have been ascertained in the context of this evaluation (PMID: 17574468, 30586318, 26795593, 31740684, 26274329, 30820006). ClinVar contains an entry for this variant (Variation ID: 208710). Based on the evidence outlined above, the variant was classified as pathogenic.

Ambry Genetics
Classification: Likely pathogenic for Inborn genetic diseases. Last evaluated: 2025-04-02. Review status: criteria provided, single submitter. Criteria: Ambry Variant Classification Scheme 2023. Collection method: clinical testing. Allele origin: germline.
Comment: The c.7546C>T (p.R2516C) alteration is located in exon 19 (coding exon 19) of the PKD1 gene. This alteration results from a C to T substitution at nucleotide position 7546, causing the arginine (R) at amino acid position 2516 to be replaced by a cysteine (C). This variant was not reported in population-based cohorts in the Genome Aggregation Database (gnomAD). This variant was reported in individuals with features consistent with PKD1-related polycystic kidney disease (Garcia-Gonzalez, 2007; Rossetti, 2007; Liu, 2015; Hwang, 2016; Fujimaru, 2018; Kim, 2019; Mochizuki, 2019; Lin, 2023; Ambry internal data). In addition, another variant at the same codon, c.7547G>A (p.R2516H), has been identified in an individual with features consistent with PKD1-related polycystic kidney disease (Durkie, 2021). This amino acid position is highly conserved in available vertebrate species. The p.R2516C amino acid is located in the receptor for egg jelly domain (REJ) of the polycystin-1 protein. This domain has been shown to be required for cleavage to occur at the G protein-coupled receptor proteolytic site (GPS) and might function in ion transport homeostasis (Qian, 2002). This alteration is predicted to be deleterious by in silico analysis. Based on the available evidence, this alteration is classified as likely pathogenic.

Laboratory of Genetics, Children's Clinical University Hospital Latvia
Classification: Pathogenic. Last evaluated: 2025-02-16. Review status: criteria provided, single submitter. Criteria: ACMG Guidelines, 2015. Collection method: clinical testing. Allele origin: germline. Affected: yes.

Fulgent Genetics
Classification: Pathogenic for Polycystic kidney disease, adult type. Last evaluated: 2024-05-24. Review status: criteria provided, single submitter. Criteria: ACMG Guidelines, 2015. Collection method: clinical testing. Allele origin: germline.

GeneDx
Classification: Likely pathogenic. Last evaluated: 2024-01-02. Review status: criteria provided, single submitter. Criteria: GeneDx Variant Classification Process June 2021. Collection method: clinical testing. Allele origin: germline. Affected: yes.
Comment: Not observed at significant frequency in large population cohorts (gnomAD); In silico analysis supports that this missense variant has a deleterious effect on protein structure/function; This variant is associated with the following publications: (PMID: 26795593, 17582161, 26274329, 33639313, 23431072, 17574468, 30820006, 20950398, 22508176, 31740684, 30586318)

Department of Pathology and Laboratory Medicine, Sinai Health System
Classification: Likely pathogenic for Polycystic kidney disease, adult type. Last evaluated: 2023-12-01. Review status: criteria provided, single submitter. Criteria: ACMG Guidelines, 2015. Collection method: clinical testing. Allele origin: germline. Affected: no.

CeGaT Center for Human Genetics Tuebingen
Classification: Likely pathogenic. Last evaluated: 2022-07-01. Review status: criteria provided, single submitter. Criteria: CeGaT Center For Human Genetics Tuebingen Variant Classification Criteria Version 2. Collection method: clinical testing. Allele origin: germline. Affected: yes. Observed: 1 variant allele.
Comment: PKD1: PM2, PS4:Moderate, PP3, PP4

Blueprint Genetics
Classification: Pathogenic for PKD1-related disorders. Last evaluated: 2022-06-02. Review status: criteria provided, single submitter. Criteria: ACMG Guidelines, 2015. Collection method: clinical testing. Allele origin: germline. Affected: yes. Observed: 5 variant alleles.

Victorian Clinical Genetics Services, Murdoch Childrens Research Institute
Classification: Pathogenic for Polycystic kidney disease, adult type. Last evaluated: 2021-05-06. Review status: criteria provided, single submitter. Criteria: ACMG Guidelines, 2015. Collection method: clinical testing. Allele origin: germline. Inheritance: Autosomal dominant inheritance. Affected: yes.
Comment: Based on the classification scheme VCGS_Germline_v1.3.4, this variant is classified as Pathogenic. Following criteria are met: 0102 - Loss of function is a known mechanism of disease in this gene and is associated with polycystic kidney disease 1 (MIM#173900). (I) 0107 - This gene is associated with autosomal dominant disease. Polycystic kidney disease 1 (MIM#173900) is predominantly caused by monoallelic variants, with rare reports of biallelic variants causing disease (OMIM). (I) 0200 - Variant is predicted to result in a missense amino acid change from arginine to cysteine. (I) 0251 - This variant is heterozygous. (I) 0301 - Variant is absent from gnomAD (both v2 and v3). (SP) 0501 - Missense variant consistently predicted to be damaging by multiple in silico tools or highly conserved with a major amino acid change. (SP) 0600 - Variant is located in the annotated REJ domain (Uniprot). (I) 0710 - Two missense variants comparable to the one identified in this case have inconclusive previous evidence for pathogenicity. Two alternative changes have been reported as VUS (ClinVar, ADPKD database). (I) 0801 - This variant has strong previous evidence of pathogenicity in unrelated individuals. This variant has been reported multiple times in ADPKD patients (ClinVar, LOVD, PMID: 17582161, 20950398, 22508176, 26274329, 31740684). (SP) 0905 - No published segregation evidence has been identified for this variant. (I) 1007 - No published functional evidence has been identified for this variant. (I) 1208 - Inheritance information for this variant is not currently available in this individual. (I) Legend: (SP) - Supporting pathogenic, (I) - Information, (SB) - Supporting benign

Athena Diagnostics
Classification: Likely pathogenic. Last evaluated: 2019-04-24. Review status: criteria provided, single submitter. Criteria: Athena Diagnostics Criteria. Collection method: clinical testing. Allele origin: germline.
Comment: Not found in the total gnomAD dataset, and the data is high quality (0/275338 chr). Statistically enriched in patients compared to ethnically matched controls. Found in at least one symptomatic patient. Predicted to have a damaging effect on the protein. Located in potentially critical domain of the protein.

Gharavi Laboratory, Columbia University
Classification: Pathogenic. Last evaluated: 2018-09-16. Review status: no assertion criteria provided. Criteria: ACMG Guidelines, 2015. Collection method: research. Allele origin: germline. Affected: yes. Not counted in ClinVar's aggregate classification.

Genome Diagnostics Laboratory, University Medical Center Utrecht
Classification: Pathogenic. Review status: no assertion criteria provided. Collection method: clinical testing. Allele origin: germline. Affected: yes. Study: VKGL Data-share Consensus. Not counted in ClinVar's aggregate classification.

Joint Genome Diagnostic Labs from Nijmegen and Maastricht, Radboudumc and MUMC+
Classification: Likely pathogenic. Review status: no assertion criteria provided. Collection method: clinical testing. Allele origin: germline. Affected: yes. Study: VKGL Data-share Consensus. Not counted in ClinVar's aggregate classification.

Laboratory of Diagnostic Genome Analysis, Leiden University Medical Center (LUMC)
Classification: Likely pathogenic. Review status: no assertion criteria provided. Collection method: clinical testing. Allele origin: germline. Affected: yes. Study: VKGL Data-share Consensus. Not counted in ClinVar's aggregate classification.

Literature cited by the submitters: PubMed 26795593 (cited by Women's Health and Genetics/Laboratory Corporation of America, LabCorp and Athena Diagnostics); PubMed 30586318 (cited by Women's Health and Genetics/Laboratory Corporation of America, LabCorp); PubMed 26274329 (cited by 5 submitters); PubMed 31740684 (cited by 4 submitters); PubMed 17574468 (cited by 4 submitters); PubMed 30820006 (cited by Women's Health and Genetics/Laboratory Corporation of America, LabCorp); PubMed 12482949 (cited by Ambry Genetics); PubMed 17582161 (cited by 4 submitters); PubMed 26453610 (cited by 3 submitters); PubMed 29520754 (cited by Ambry Genetics); PubMed 30989420 (cited by Ambry Genetics); PubMed 33168999 (cited by Ambry Genetics); PubMed 36773205 (cited by Ambry Genetics); PubMed 22508176 (cited by 3 submitters); PubMed 23431072 (cited by Department of Pathology and Laboratory Medicine, Sinai Health System and Athena Diagnostics); PubMed 20950398 (cited by 3 submitters).